The following is an entry in ClinVar:

NM_018993.4(RIN2):c.2637T>A (p.Asp879Glu)

Gene: RIN2 (Ras and Rab interactor 2; plus strand). Cytogenetic location: 20p11.23.
Variant type: single nucleotide variant.
Coding change: c.2637T>A on transcript NM_018993.4 (MANE Select); coding-DNA position 2637, T replaced by A.
Protein change: p.Asp879Glu; replaces aspartic acid 879 with glutamic acid.
Molecular consequence: missense variant.
Genome position (GRCh38, 1-based): chr20:20,000,885, T>A. VCF-style: chr20-20000885-T-A. GRCh37 (hg19) VCF-style: chr20-19981529-T-A.
Other names: c.2784T>A, p.Asp928Glu (NM_001242581.2); c.2019T>A, p.Asp673Glu (NM_001378238.1); short protein forms D673E, D879E, D928E.
Identifiers: ClinVar variation 1189917 (VCV001189917.4), dbSNP rs368180718, ClinGen allele CA9780345.

ClinVar aggregate classification (germline): Uncertain significance. Review status: criteria provided, multiple submitters, no conflicts (2 of 4 stars). 2 submissions from 2 submitters: Uncertain significance (2). Last evaluated 2022-08-16.

Allele frequency attached by ClinVar (database versions not stated): TOPMed 0.00006; ESP Exome Variant Server 0.00008; gnomAD 0.00008 and 0.00009; gnomAD exomes 0.00008 and 0.00012; ExAC 0.00011.
gnomAD v4.1: 128 of 1,613,600 alleles (0.0079%); highest among the groups gnomAD compares: Non-Finnish European, 0.01%; no homozygotes.

Submissions (2):

Labcorp Genetics (formerly Invitae), Labcorp
Classification: Uncertain significance. Last evaluated: 2022-08-16. Review status: criteria provided, single submitter. Criteria: Invitae Variant Classification Sherloc (09022015). Collection method: clinical testing. Allele origin: germline.
Comment: This sequence change replaces aspartic acid, which is acidic and polar, with glutamic acid, which is acidic and polar, at codon 879 of the RIN2 protein (p.Asp879Glu). This variant is present in population databases (rs368180718, gnomAD 0.03%). This variant has not been reported in the literature in individuals affected with RIN2-related conditions. ClinVar contains an entry for this variant (Variation ID: 1189917). Algorithms developed to predict the effect of missense changes on protein structure and function are either unavailable or do not agree on the potential impact of this missense change (SIFT: "Tolerated"; PolyPhen-2: "Not Available"; Align-GVGD: "Class C0"). In summary, the available evidence is currently insufficient to determine the role of this variant in disease. Therefore, it has been classified as a Variant of Uncertain Significance.

GeneDx
Classification: Uncertain significance. Last evaluated: 2021-03-25. Review status: criteria provided, single submitter. Criteria: GeneDx Variant Classification Process June 2021. Collection method: clinical testing. Allele origin: germline. Affected: yes.
Comment: In silico analysis supports that this missense variant does not alter protein structure/function; Has not been previously published as pathogenic or benign to our knowledge